The following is an entry in ClinVar:

NM_001366385.1(CARD14):c.2945T>A (p.Leu982His)

Genes: CARD14 (caspase recruitment domain family member 14; plus strand), SGSH (N-sulfoglucosamine sulfohydrolase; minus strand). Cytogenetic location: 17q25.3.
Variant type: single nucleotide variant.
Coding change: c.2945T>A on transcript NM_001366385.1 (MANE Select); coding-DNA position 2945, T replaced by A.
Protein change: p.Leu982His; replaces leucine 982 with histidine.
Molecular consequence: missense variant. On other transcripts: non-coding transcript variant (1).
Genome position (GRCh38, 1-based): chr17:80,208,275, T>A. VCF-style: chr17-80208275-T-A. GRCh37 (hg19) VCF-style: chr17-78182074-T-A.
Other names: c.2945T>A, p.Leu982His (NM_024110.4); c.2945T>A (NM_024110.3); short protein forms L982H.
Identifiers: ClinVar variation 1009008 (VCV001009008.10), dbSNP rs1010404596, ClinGen allele CA294888657.

ClinVar aggregate classification (germline): Uncertain significance. Review status: criteria provided, multiple submitters, no conflicts (2 of 4 stars). 2 submissions from 2 submitters: Uncertain significance (2). Last evaluated 2025-03-24.

Conditions:
Inborn genetic diseases. Identifiers: MedGen C0950123, MeSH D030342.
Pityriasis rubra pilaris (PRP). Also called: Pityriasis rubra pilaris--familial type. Identifiers: Orphanet 2897, MedGen C0032027, MONDO:0100017, OMIM 173200, MONDO:0008251.
Psoriasis 2. Identifiers: MedGen C1864497, MONDO:0011269, OMIM 602723.

Allele frequency attached by ClinVar (database versions not stated): TOPMed below 0.00001; gnomAD 0.00001.

Submissions (2):

Ambry Genetics
Classification: Uncertain significance for Inborn genetic diseases. Last evaluated: 2025-03-24. Review status: criteria provided, single submitter. Criteria: Ambry Variant Classification Scheme 2023. Collection method: clinical testing. Allele origin: germline.

Labcorp Genetics (formerly Invitae), Labcorp
Classification: Uncertain significance for Pityriasis rubra pilaris; Psoriasis 2. Last evaluated: 2024-07-17. Review status: criteria provided, single submitter. Criteria: Invitae Variant Classification Sherloc (09022015). Collection method: clinical testing. Allele origin: germline.
Comment: This sequence change replaces leucine, which is neutral and non-polar, with histidine, which is basic and polar, at codon 982 of the CARD14 protein (p.Leu982His). This variant is not present in population databases (gnomAD no frequency). This variant has not been reported in the literature in individuals affected with CARD14-related conditions. ClinVar contains an entry for this variant (Variation ID: 1009008). Advanced modeling of protein sequence and biophysical properties (such as structural, functional, and spatial information, amino acid conservation, physicochemical variation, residue mobility, and thermodynamic stability) performed at Invitae indicates that this missense variant is expected to disrupt CARD14 protein function with a positive predictive value of 80%. In summary, the available evidence is currently insufficient to determine the role of this variant in disease. Therefore, it has been classified as a Variant of Uncertain Significance.